The following is an entry in ClinVar:

ClinVar aggregate classification (germline): Pathogenic (1 of 4 stars; one submission).

Submission:

ISCA site 17
Classification: Pathogenic. Last evaluated: 2011-08-12. Review status: criteria provided, single submitter. Criteria: Kaminsky et al. (Genet Med. 2011). Collection method: clinical testing. Allele origin: unknown. Affected: yes. Observed: 1 variant allele.
Comment: Copy number variation identified through the course of routine clinical cytogenomic testing in postnatal populations. Clinical assertions have been curated as described in Kaminsky et al. 2011.

GRCh38/hg38 11q25(chr11:131587470-134609295)x1

Genes: ACAD8 (acyl-CoA dehydrogenase family member 8; plus strand), B3GAT1 (beta-1,3-glucuronyltransferase 1; minus strand), B3GAT1-DT (B3GAT1 divergent transcript; plus strand), GLB1L2 (galactosidase beta 1 like 2; plus strand), GLB1L3 (galactosidase beta 1 like 3; plus strand) and 73 more. Cytogenetic location: 11q25.
Variant type: copy number loss.
Change: copy number 1 (one copy instead of two) of chr11:131,587,470-134,609,295 (3.02 Mb, GRCh38 coordinates, 1-based), cytogenetic band 11q25.
Identifiers: ClinVar variation 58951 (VCV000058951.1).